The following is an entry in ClinVar:

NM_017849.4(TMEM127):c.56G>T (p.Gly19Val)

Genes: TMEM127 (transmembrane protein 127; minus strand), LOC129934333 (ATAC-STARR-seq lymphoblastoid silent region 11759; plus strand). Cytogenetic location: 2q11.2.
Variant type: single nucleotide variant.
Coding change: c.56G>T on transcript NM_017849.4 (MANE Select); coding-DNA position 56, G replaced by T.
Protein change: p.Gly19Val; replaces glycine 19 with valine.
Molecular consequence: missense variant.
Genome position (GRCh38, 1-based): chr2:96,265,326, C>A on the plus strand (G>T on the coding strand, the complement: TMEM127 is on the minus strand). VCF-style: chr2-96265326-C-A. GRCh37 (hg19) VCF-style: chr2-96931064-C-A.
Other names: c.56G>T, p.Gly19Val (NM_001193304.3); short protein forms G19V.
Identifiers: ClinVar variation 463854 (VCV000463854.12), dbSNP rs1331019402, ClinGen allele CA347656203.

ClinVar aggregate classification (germline): Uncertain significance. Review status: criteria provided, multiple submitters, no conflicts (2 of 4 stars). 3 submissions from 3 submitters: Uncertain significance (3). Last evaluated 2026-01-13.

Conditions:
Hereditary cancer-predisposing syndrome. Also called: Neoplastic Syndromes, Hereditary; Hereditary neoplastic syndrome; Tumor predisposition; Hereditary Cancer Syndrome. Identifiers: Orphanet 140162, MedGen C0027672, MeSH D009386, MONDO:0015356.
Hereditary pheochromocytoma and paraganglioma. Also called: Hereditary Paraganglioma-Pheochromocytoma Syndromes; Hereditary paragangliomas and pheochromocytomas; Hereditary pheochromocytoma-paraganglioma. Identifiers: Orphanet 29072, MedGen C4274332, MONDO:0017366.

Allele frequency attached by ClinVar (database versions not stated): TOPMed below 0.00001; gnomAD 0.00001; gnomAD exomes 0.00001 and 0.00005.
gnomAD v4.1: 8 of 1,523,740 alleles (0.00053%); highest among the groups gnomAD compares: Admixed American, 0.016%; no homozygotes.

Submissions (3):

Labcorp Genetics (formerly Invitae), Labcorp
Classification: Uncertain significance for Hereditary pheochromocytoma and paraganglioma. Last evaluated: 2026-01-13. Review status: criteria provided, single submitter. Criteria: Invitae Variant Classification Sherloc (09022015). Collection method: clinical testing. Allele origin: germline.
Comment: This sequence change replaces glycine, which is neutral and non-polar, with valine, which is neutral and non-polar, at codon 19 of the TMEM127 protein (p.Gly19Val). This variant is present in population databases (no rsID available, gnomAD 0.03%). This variant has not been reported in the literature in individuals affected with TMEM127-related conditions. ClinVar contains an entry for this variant (Variation ID: 463854). Experimental studies and prediction algorithms are not available or were not evaluated, and the functional significance of this variant is currently unknown. In summary, the available evidence is currently insufficient to determine the role of this variant in disease. Therefore, it has been classified as a Variant of Uncertain Significance.

Quest Diagnostics Nichols Institute San Juan Capistrano
Classification: Uncertain significance. Last evaluated: 2025-02-28. Review status: criteria provided, single submitter. Criteria: Quest Diagnostics criteria. Collection method: clinical testing. Allele origin: unknown.
Comment: The TMEM127 c.56G>T (p.Gly19Val) variant has not been reported in individuals with TMEM127-related conditions in the published literature. The frequency of this variant in the general population (Genome Aggregation Database) is higher than would generally be expected for pathogenic variants in this gene. Analysis of this variant using bioinformatics tools for the prediction of the effect of amino acid changes on protein structure and function yielded conflicting predictions that this variant is deleterious or benign. Additional analysis using software algorithms for the prediction of the effect of nucleotide changes on TMEM127 mRNA splicing yielded predictions that this variant may result in the gain of a cryptic splice site without affecting the natural splice sites. Based on the available information, we are unable to determine the clinical significance of this variant.

Ambry Genetics
Classification: Uncertain significance for Hereditary cancer-predisposing syndrome. Last evaluated: 2024-06-10. Review status: criteria provided, single submitter. Criteria: Ambry Variant Classification Scheme 2023. Collection method: clinical testing. Allele origin: germline.
Comment: The p.G19V variant (also known as c.56G>T), located in coding exon 1 of the TMEM127 gene, results from a G to T substitution at nucleotide position 56. The glycine at codon 19 is replaced by valine, an amino acid with dissimilar properties. This amino acid position is conserved. In addition, this alteration is predicted to be tolerated by in silico analysis. Since supporting evidence is limited at this time, the clinical significance of this alteration remains unclear.